The following is an entry in ClinVar:

NM_015076.5(CDK19):c.569T>C (p.Leu190Ser)

Gene: CDK19 (cyclin dependent kinase 19; minus strand). Cytogenetic location: 6q21.
Variant type: single nucleotide variant.
Coding change: c.569T>C on transcript NM_015076.5 (MANE Select); coding-DNA position 569, T replaced by C.
Protein change: p.Leu190Ser; replaces leucine 190 with serine.
Molecular consequence: missense variant. On other transcripts: intron variant (1).
Genome position (GRCh38, 1-based): chr6:110,632,107, A>G on the plus strand (T>C on the coding strand, the complement: CDK19 is on the minus strand). VCF-style: chr6-110632107-A-G. GRCh37 (hg19) VCF-style: chr6-110953310-A-G.
Other names: c.389T>C, p.Leu130Ser (NM_001300963.2, NM_001300964.2); c.515-4962T>C (NM_001300960.2); short protein forms L130S, L190S.
Identifiers: ClinVar variation 3372247 (VCV003372247.1).

ClinVar aggregate classification (germline): Uncertain significance (1 of 4 stars; one submission).

Submission:

GeneDx
Classification: Uncertain significance. Last evaluated: 2024-04-08. Review status: criteria provided, single submitter. Criteria: GeneDx Variant Classification Process June 2021. Collection method: clinical testing. Allele origin: germline. Affected: yes.
Comment: Not observed at significant frequency in large population cohorts (gnomAD); In silico analysis supports that this missense variant has a deleterious effect on protein structure/function; Has not been previously published as pathogenic or benign to our knowledge